The following is an entry in ClinVar:

NM_001038.6(SCNN1A):c.336C>A (p.Tyr112Ter)

Gene: SCNN1A (sodium channel epithelial 1 subunit alpha; minus strand). Cytogenetic location: 12p13.31.
Variant type: single nucleotide variant.
Coding change: c.336C>A on transcript NM_001038.6 (MANE Select); coding-DNA position 336, C replaced by A.
Protein change: p.Tyr112Ter; replaces tyrosine 112 with a stop codon.
Molecular consequence: nonsense.
Genome position (GRCh38, 1-based): chr12:6,374,448, G>T on the plus strand (C>A on the coding strand, the complement: SCNN1A is on the minus strand). VCF-style: chr12-6374448-G-T. GRCh37 (hg19) VCF-style: chr12-6483614-G-T.
Other names: c.405C>A, p.Tyr135Ter (NM_001159575.2); c.513C>A, p.Tyr171Ter (NM_001159576.2); short protein forms Y112*, Y135*, Y171*.
Identifiers: ClinVar variation 4886053 (VCV004886053.2).

ClinVar aggregate classification (germline): Likely pathogenic (1 of 4 stars; one submission).

Submission:

Dasa
Classification: Likely pathogenic. Last evaluated: 2025-12-26. Review status: criteria provided, single submitter. Criteria: DASA Assertion Criteria. Collection method: clinical testing. Allele origin: germline.
Comment: NM_001038.6(SCNN1A):c.336C>A (p.Tyr112*) is a nonsense variant in SCNN1A predicted to introduce a premature termination codon and is predicted to result in an absent or altered protein product. Loss of function is an established disease mechanism for SCNN1A-associated disorders. Also, this variant is rare in population databases. Based on the currently available evidence, this variant is classified as likely pathogenic.